The following is an entry in ClinVar:

NM_016156.6(MTMR2):c.749T>C (p.Ile250Thr)

Gene: MTMR2 (myotubularin related protein 2; minus strand). Cytogenetic location: 11q21.
Variant type: single nucleotide variant.
Coding change: c.749T>C on transcript NM_016156.6 (MANE Select); coding-DNA position 749, T replaced by C.
Protein change: p.Ile250Thr; replaces isoleucine 250 with threonine.
Molecular consequence: missense variant.
Genome position (GRCh38, 1-based): chr11:95,850,655, A>G on the plus strand (T>C on the coding strand, the complement: MTMR2 is on the minus strand). VCF-style: chr11-95850655-A-G. GRCh37 (hg19) VCF-style: chr11-95583819-A-G.
Other names: c.533T>C, p.Ile178Thr (NM_001243571.2, NM_201278.3, NM_201281.3); short protein forms I250T, I178T.
Identifiers: ClinVar variation 418338 (VCV000418338.2), dbSNP rs1064793195, ClinGen allele CA16619418.

ClinVar aggregate classification (germline): Uncertain significance (1 of 4 stars; one submission).

Allele frequency attached by ClinVar (database versions not stated): gnomAD exomes below 0.00001; gnomAD 0.00001.
gnomAD v4.1: 4 of 1,614,034 alleles (0.00025%); highest among the groups gnomAD compares: Non-Finnish European, 0.00034%; no homozygotes.

Submission:

GeneDx
Classification: Uncertain significance. Last evaluated: 2016-12-21. Review status: criteria provided, single submitter. Criteria: GeneDx Variant Classification (06012015). Collection method: clinical testing. Allele origin: germline. Affected: yes.
Comment: A variant of uncertain significance has been identified in the MTMR2 gene. The I250T variant has not been published as a pathogenic variant, nor has it been reported as a benign variant to our knowledge. The I250T variant is not observed in large population cohorts (Lek et al., 2016; 1000 Genomes Consortium et al., 2015; Exome Variant Server). The I250T variant is a non-conservative amino acid substitution, which is likely to impact secondary protein structure as these residues differ in polarity, charge, size and/or other properties. This substitution occurs at a position that is conserved across species. However, missense variants in nearby residues have not been reported in the Human Gene Mutation Database in association with MTMR2-related disorders (Stenson et al., 2014). In silico analysis is inconsistent in its predictions as to whether or not the variant is damaging to the protein structure/function. Therefore, based on the currently available information, it is unclear whether this variant is a pathogenic variant or a rare benign variant.